The following is an entry in ClinVar:

NM_000642.3(AGL):c.609del (p.Lys203fs)

Gene: AGL (amylo-alpha-1,6-glucosidase and 4-alpha-glucanotransferase; plus strand). Cytogenetic location: 1p21.2.
Variant type: Deletion.
Coding change: c.609del on transcript NM_000642.3 (MANE Select); coding-DNA position 609, one base deleted (A; older notation c.609delA).
Protein change: p.Lys203fs; shifts the reading frame from lysine 203.
Molecular consequence: frameshift variant.
Genome position (GRCh38, 1-based): chr1:99,864,534, A deleted; the last of 5 consecutive A bases (chr1:99,864,530-99,864,534); deleting any one gives the same sequence. VCF-style (leftmost placement, unchanged base first): chr1-99864529-GA-G. GRCh37 (hg19) VCF-style: chr1-100330085-GA-G.
Other names: c.609delA, p.Lys203Asnfs (NM_000028.3, NM_000643.3, NM_000644.3 and 3 more transcripts); c.561delA, p.Lys187Asnfs (NM_000646.3); c.231delA, p.Lys77Asnfs (NM_001425332.1); c.609del (NM_000642.2); short protein forms K187fs, K203fs.
Identifiers: ClinVar variation 646363 (VCV000646363.9), dbSNP rs1571232404, ClinGen allele CA915941355.

ClinVar aggregate classification (germline): Pathogenic (1 of 4 stars; one submission).

Conditions:
Glycogen storage disease type III (GSD3). Also called: FORBES DISEASE; Cori disease. Identifiers: Orphanet 366, MedGen C0017922, MONDO:0009291, OMIM 232400.

Submission:

Labcorp Genetics (formerly Invitae), Labcorp
Classification: Pathogenic for Glycogen storage disease type III. Last evaluated: 2023-02-16. Review status: criteria provided, single submitter. Criteria: Invitae Variant Classification Sherloc (09022015). Collection method: clinical testing. Allele origin: germline.
Comment: This variant is not present in population databases (gnomAD no frequency). For these reasons, this variant has been classified as Pathogenic. ClinVar contains an entry for this variant (Variation ID: 646363). This variant has not been reported in the literature in individuals affected with AGL-related conditions. This sequence change creates a premature translational stop signal (p.Lys203Asnfs*2) in the AGL gene. It is expected to result in an absent or disrupted protein product. Loss-of-function variants in AGL are known to be pathogenic (PMID: 19299494).

Literature cited by the submitters: PubMed 19299494.